The following is an entry in ClinVar:

ClinVar aggregate classification (germline): Uncertain significance (1 of 4 stars; one submission).

Conditions:
Cataract 3 multiple types. Also called: CATARACT 3, MULTIPLE TYPES, WITH OR WITHOUT MICROCORNEA. Identifiers: Orphanet 1377, MedGen C1832175, MONDO:0011104, OMIM 601547.

Submission:

Labcorp Genetics (formerly Invitae), Labcorp
Classification: Uncertain significance for Cataract 3 multiple types. Last evaluated: 2020-10-19. Review status: criteria provided, single submitter. Criteria: Invitae Variant Classification Sherloc (09022015). Collection method: clinical testing. Allele origin: germline.
Comment: This variant has not been reported in the literature in individuals with CRYBB2-related conditions. In summary, the available evidence is currently insufficient to determine the role of this variant in disease. Therefore, it has been classified as a Variant of Uncertain Significance. Algorithms developed to predict the effect of sequence changes on RNA splicing suggest that this variant may disrupt the consensus splice site, but this prediction has not been confirmed by published transcriptional studies. This variant is not present in population databases (ExAC no frequency). This sequence change affects a donor splice site in intron 3 of the CRYBB2 gene. It is expected to disrupt RNA splicing. Variants that disrupt the donor or acceptor splice site typically lead to a loss of protein function (PMID: 16199547), however the current clinical and genetic evidence is not sufficient to establish whether loss-of-function variants in CRYBB2 cause disease.

Literature cited by the submitters: PubMed 16199547.

NM_000496.3(CRYBB2):c.173+1G>T

Gene: CRYBB2 (crystallin beta B2; plus strand). Cytogenetic location: 22q11.23.
Variant type: single nucleotide variant.
Coding change: c.173+1G>T on transcript NM_000496.3 (MANE Select); the canonical splice donor site of the intron after coding-DNA position 173, G replaced by T.
Molecular consequence: splice donor variant.
Genome position (GRCh38, 1-based): chr22:25,225,037, G>T. VCF-style: chr22-25225037-G-T. GRCh37 (hg19) VCF-style: chr22-25621004-G-T.
Identifiers: ClinVar variation 1038716 (VCV001038716.9), dbSNP rs770540384, ClinGen allele CA410987127.
Genomic context (GRCh38, chr22:25,225,037, plus strand): 5'-CCCCAACCTGAAGGAAACTGGCGTGGAGAAGGCAGGTTCTGTCCTAGTGCAGGCTGGACC[G>T]TAAGTACCTGGGTGGCCTCTCCTGGTCAGGGACTTTGGGTGAGGTGATCAAGTTGTGGAG-3'